The following is an entry in ClinVar:

ClinVar aggregate classification (germline): Uncertain significance. Review status: criteria provided, multiple submitters, no conflicts (2 of 4 stars). 2 submissions from 2 submitters: Uncertain significance (2). Last evaluated 2026-05-08.

Conditions:
Familial thoracic aortic aneurysm and aortic dissection (TAAD). Also called: Thoracic aortic aneurysms and dissections. Identifiers: Orphanet 91387, MedGen C4707243, MONDO:0019625.

Submissions (2):

Ambry Genetics
Classification: Uncertain significance for Familial thoracic aortic aneurysm and aortic dissection. Last evaluated: 2026-05-08. Review status: criteria provided, single submitter. Criteria: Ambry Variant Classification Scheme 2023. Collection method: clinical testing. Allele origin: germline.
Comment: The c.206+2T>G intronic variant results from a T to G substitution two nucleotides after coding exon 1 in the SMAD3 gene. Variants that disrupt the canonical splice site are expected to result in aberrant splicing. In silico splice site analysis predicts that this alteration will weaken the native splice donor site and will result in the creation or strengthening of a novel splice donor site. A resulting transcript is predicted to be in-frame and is not expected to trigger nonsense-mediated mRNA decay; although, direct evidence is unavailable. This nucleotide position is highly conserved in available vertebrate species. Based on the available evidence, the clinical significance of this variant remains unclear.

AiLife Diagnostics
Classification: Uncertain significance. Last evaluated: 2021-07-09. Review status: criteria provided, single submitter. Criteria: ACMG Guidelines, 2015. Collection method: clinical testing. Allele origin: germline. Affected: yes. Observed: 1 variant allele.

NM_005902.4(SMAD3):c.206+2T>G

Gene: SMAD3 (SMAD family member 3; plus strand). Cytogenetic location: 15q22.33.
Variant type: single nucleotide variant.
Coding change: c.206+2T>G on transcript NM_005902.4 (MANE Select); the canonical splice donor site of the intron after coding-DNA position 206, T replaced by G.
Molecular consequence: splice donor variant.
Genome position (GRCh38, 1-based): chr15:67,066,362, T>G. VCF-style: chr15-67066362-T-G. GRCh37 (hg19) VCF-style: chr15-67358700-T-G.
Other names: c.206+2T>G (NM_001407011.1, NM_001407013.1, NM_001407012.1 and 1 more transcripts).
Identifiers: ClinVar variation 1677336 (VCV001677336.2), dbSNP rs2140189216, ClinGen allele CA393203132.